The following is an entry in ClinVar:

ClinVar aggregate classification (germline): Uncertain significance (1 of 4 stars; one submission).

Allele frequency attached by ClinVar (database versions not stated): gnomAD 0.00001; gnomAD exomes 0.00001; ExAC 0.00002; TOPMed 0.00002; ESP Exome Variant Server 0.00008.

Submission:

Labcorp Genetics (formerly Invitae), Labcorp
Classification: Uncertain significance. Last evaluated: 2023-10-13. Review status: criteria provided, single submitter. Criteria: Invitae Variant Classification Sherloc (09022015). Collection method: clinical testing. Allele origin: germline.
Comment: This sequence change falls in intron 22 of the TONSL gene. It does not directly change the encoded amino acid sequence of the TONSL protein. It affects a nucleotide within the consensus splice site. This variant is present in population databases (rs374062237, gnomAD 0.005%). This variant has not been reported in the literature in individuals affected with TONSL-related conditions. ClinVar contains an entry for this variant (Variation ID: 1927239). Variants that disrupt the consensus splice site are a relatively common cause of aberrant splicing (PMID: 17576681, 9536098). Algorithms developed to predict the effect of sequence changes on RNA splicing suggest that this variant is not likely to affect RNA splicing. In summary, the available evidence is currently insufficient to determine the role of this variant in disease. Therefore, it has been classified as a Variant of Uncertain Significance.

Literature cited by the submitters: PubMed 17576681; PubMed 9536098.

NM_013432.5(TONSL):c.3560-3C>T

Gene: TONSL (tonsoku like, DNA repair protein; minus strand). Cytogenetic location: 8q24.3.
Variant type: single nucleotide variant.
Coding change: c.3560-3C>T on transcript NM_013432.5 (MANE Select); 3 bases into the intron before coding-DNA position 3560, C replaced by T.
Molecular consequence: intron variant.
Genome position (GRCh38, 1-based): chr8:144,432,463, G>A on the plus strand (C>T on the coding strand, the complement: TONSL is on the minus strand). VCF-style: chr8-144432463-G-A. GRCh37 (hg19) VCF-style: chr8-145657846-G-A.
Identifiers: ClinVar variation 1927239 (VCV001927239.3), dbSNP rs374062237, ClinGen allele CA4942452.
Genomic context (GRCh38, chr8:144,432,463, plus strand): 5'-AGGGCAGGGGCTCCCAGGGCGTTGTAGGACAGGGACAGGGTCTTCAGGTGCTCAGCATCT[G>A]CACCGGGGCCAGAATCCGTCAGCCCCACGTGGCCACAGCCCTGTACCCACCCCAAGTTCT-3'